The following is an entry in ClinVar:

ClinVar aggregate classification (germline): Conflicting classifications of pathogenicity. Review status: criteria provided, conflicting classifications (1 of 4 stars). 2 submissions from 2 submitters: Likely pathogenic (1); Uncertain significance (1). Last evaluated 2023-07-06.

Conditions:
GTP cyclohydrolase I deficiency. Identifiers: MedGen C0268467, MONDO:0100184.
Dystonia 5 (DRD). Also called: DYT-GCH1; DYSTONIA, PROGRESSIVE, WITH DIURNAL VARIATION; DYSTONIA-PARKINSONISM WITH DIURNAL FLUCTUATION; Dystonia, DOPA-responsive, with or without hyperphenylalaninemia; GTP Cyclohydrolase 1-Deficient Dopa-Responsive Dystonia. Identifiers: Orphanet 98808, MedGen C1851920, MONDO:0007495, OMIM 128230.

Allele frequency attached by ClinVar (database versions not stated): TOPMed below 0.00001.
gnomAD v4.1: 1 of 1,519,498 alleles (0.000066%); no homozygotes.

Submissions (2):

Labcorp Genetics (formerly Invitae), Labcorp
Classification: Uncertain significance for GTP cyclohydrolase I deficiency; Dystonia 5. Last evaluated: 2023-07-06. Review status: criteria provided, single submitter. Criteria: Invitae Variant Classification Sherloc (09022015). Collection method: clinical testing. Allele origin: germline.
Comment: This sequence change falls in intron 5 of the GCH1 gene. It does not directly change the encoded amino acid sequence of the GCH1 protein. It affects a nucleotide within the consensus splice site. In summary, the available evidence is currently insufficient to determine the role of this variant in disease. Therefore, it has been classified as a Variant of Uncertain Significance. Variants that disrupt the consensus splice site are a relatively common cause of aberrant splicing (PMID: 17576681, 9536098). Algorithms developed to predict the effect of sequence changes on RNA splicing suggest that this variant may disrupt the consensus splice site. This variant has been observed in individual(s) with dystonia (PMID: 11113234). This variant is not present in population databases (gnomAD no frequency).

GeneDx
Classification: Likely pathogenic. Last evaluated: 2023-04-24. Review status: criteria provided, single submitter. Criteria: GeneDx Variant Classification Process June 2021. Collection method: clinical testing. Allele origin: germline. Affected: yes.
Comment: Reported in a patient with L-dopa responsive dystonia in published literature (Steinberger et al., 2000); Intronic +5 splice site variant in a gene for which loss of function is a known mechanism of disease, and splice predictors support a deleterious effect; Not observed at significant frequency in large population cohorts (gnomAD); This variant is associated with the following publications: (PMID: 25525159, 11113234)

Literature cited by the submitters: PubMed 17576681 (cited by Labcorp Genetics (formerly Invitae), Labcorp); PubMed 9536098 (cited by Labcorp Genetics (formerly Invitae), Labcorp); PubMed 11113234 (cited by Labcorp Genetics (formerly Invitae), Labcorp).

NM_000161.3(GCH1):c.626+5G>A

Gene: GCH1 (GTP cyclohydrolase 1; minus strand). Cytogenetic location: 14q22.2.
Variant type: single nucleotide variant.
Coding change: c.626+5G>A on transcript NM_000161.3 (MANE Select); 5 bases into the intron after coding-DNA position 626, G replaced by A.
Molecular consequence: intron variant.
Genome position (GRCh38, 1-based): chr14:54,845,763, C>T on the plus strand (G>A on the coding strand, the complement: GCH1 is on the minus strand). VCF-style: chr14-54845763-C-T. GRCh37 (hg19) VCF-style: chr14-55312481-C-T.
Other names: c.510-2709G>A (NM_001424104.1); c.626+5G>A (NM_001024071.2, NM_001024070.2, NM_001024024.2); c.332+5G>A (NM_001424105.1).
Identifiers: ClinVar variation 2663672 (VCV002663672.4), dbSNP rs1594970015, ClinGen allele CA2138218947.